The following is an entry in ClinVar:

NM_002055.5(GFAP):c.758C>G (p.Ala253Gly)

Gene: GFAP (glial fibrillary acidic protein; minus strand). Cytogenetic location: 17q21.31.
Variant type: single nucleotide variant.
Coding change: c.758C>G on transcript NM_002055.5 (MANE Select); coding-DNA position 758, C replaced by G.
Protein change: p.Ala253Gly; replaces alanine 253 with glycine.
Molecular consequence: missense variant.
Genome position (GRCh38, 1-based): chr17:44,913,291, G>C on the plus strand (C>G on the coding strand, the complement: GFAP is on the minus strand). VCF-style: chr17-44913291-G-C. GRCh37 (hg19) VCF-style: chr17-42990659-G-C.
Other names: c.758C>G, p.Ala253Gly (NM_001131019.3, NM_001242376.3, NM_001363846.2); short protein forms A253G.
Identifiers: ClinVar variation 66502 (VCV000066502.5), dbSNP rs61726470, ClinGen allele CA217217.
Genomic context (GRCh38, chr17:44,913,291, plus strand): 5'-TGCCTGGAGGAGGCAGGCTGGCCCACAGGCAGGGCTACCTTGGAGCGGTACCACTCTTCG[G>C]CTTCATGCATGTTGCTGGACGCCATTGCCTCATACTGCGTGCGGATCTCTTTCAGGGCTG-3'
Protein context (NP_002046.1, residues 243-263): EAMASSNMHE[Ala253Gly]EEWYRSKFAD

ClinVar aggregate classification (germline): Pathogenic. Review status: criteria provided, single submitter (1 of 4 stars). 3 submissions from 3 submitters: Pathogenic (1). 2 of the submissions do not count toward it. Last evaluated 2021-03-12.

Conditions:
Alexander disease (ALXDRD). Also called: Alexander's disease. Identifiers: Orphanet 58, MedGen C0270726, MONDO:0008752, OMIM 203450.

Submissions (3):

GeneDx
Classification: Pathogenic. Last evaluated: 2021-03-12. Review status: criteria provided, single submitter. Criteria: GeneDx Variant Classification Process June 2021. Collection method: clinical testing. Allele origin: germline. Affected: yes.
Comment: Reported previously in association with Alexander disease (Li et al., 2005; van der Knaap et al., 2005); Published functional studies demonstrate that this variant disrupts filament formation and results in protein aggregates (Li et al., 2005); In silico analysis supports that this missense variant has a deleterious effect on protein structure/function; Not observed in large population cohorts (Lek et al., 2016); This variant is associated with the following publications: (PMID: 15732097, 15732098, 27648269)

Epithelial Biology;  Institute of Medical Biology, Singapore
No classification provided. Review status: no classification provided. Collection method: not provided. Allele origin: not provided. Not counted in ClinVar's aggregate classification.

GeneReviews
No classification provided. Condition: Alexander disease. Review status: no classification provided. Collection method: literature only. Allele origin: germline. Affected: yes. Not counted in ClinVar's aggregate classification.

Literature cited by the submitters: PubMed 15732097 (cited by GeneReviews); PubMed 15732098 (cited by GeneReviews); NCBI Bookshelf NBK1172 (cited by GeneReviews).